The following is an entry in ClinVar:

NM_001330078.2(NRXN1):c.919G>A (p.Glu307Lys)

Gene: NRXN1 (neurexin 1; minus strand). Cytogenetic location: 2p16.3.
Variant type: single nucleotide variant.
Coding change: c.919G>A on transcript NM_001330078.2 (MANE Select); coding-DNA position 919, G replaced by A.
Protein change: p.Glu307Lys; replaces glutamic acid 307 with lysine.
Molecular consequence: missense variant.
Genome position (GRCh38, 1-based): chr2:50,623,529, C>T on the plus strand (G>A on the coding strand, the complement: NRXN1 is on the minus strand). VCF-style: chr2-50623529-C-T. GRCh37 (hg19) VCF-style: chr2-50850667-C-T.
Other names: c.1018G>A (NM_001135659.1); c.1018G>A, p.Glu340Lys (NM_001135659.3); c.919G>A, p.Glu307Lys (NM_001330077.2, NM_001330082.2, NM_001330085.2 and 3 more transcripts); c.859G>A, p.Glu287Lys (NM_001330083.2, NM_001330084.2, NM_001330087.2 and 1 more transcripts); c.889G>A, p.Glu297Lys (NM_001330088.2); c.916G>A, p.Glu306Lys (NM_001330093.2); c.907G>A, p.Glu303Lys (NM_001330094.2); short protein forms E287K, E297K, E303K, E306K, E307K, E340K.
Identifiers: ClinVar variation 999330 (VCV000999330.9), dbSNP rs757917920, ClinGen allele CA346822533.

ClinVar aggregate classification (germline): Uncertain significance. Review status: criteria provided, multiple submitters, no conflicts (2 of 4 stars). 2 submissions from 2 submitters: Uncertain significance (2). Last evaluated 2020-11-12.

Conditions:
Inborn genetic diseases. Identifiers: MedGen C0950123, MeSH D030342.
Pitt-Hopkins-like syndrome 2 (PTHSL2). Identifiers: Orphanet 221150, Orphanet 600663, MedGen C3280479, MONDO:0013690, OMIM 614325.

Submissions (2):

Ambry Genetics
Classification: Uncertain significance for Inborn genetic diseases. Last evaluated: 2020-11-12. Review status: criteria provided, single submitter. Criteria: Ambry Variant Classification Scheme 2023. Collection method: clinical testing. Allele origin: germline.

Labcorp Genetics (formerly Invitae), Labcorp
Classification: Uncertain significance for Pitt-Hopkins-like syndrome 2. Last evaluated: 2020-08-20. Review status: criteria provided, single submitter. Criteria: Invitae Variant Classification Sherloc (09022015). Collection method: clinical testing. Allele origin: germline.
Comment: In summary, the available evidence is currently insufficient to determine the role of this variant in disease. Therefore, it has been classified as a Variant of Uncertain Significance. Algorithms developed to predict the effect of missense changes on protein structure and function are either unavailable or do not agree on the potential impact of this missense change (SIFT: "Tolerated"; PolyPhen-2: "Probably Damaging"; Align-GVGD: "Class C0"). This variant has not been reported in the literature in individuals with NRXN1-related conditions. This variant is not present in population databases (ExAC no frequency). This sequence change replaces glutamic acid with lysine at codon 340 of the NRXN1 protein (p.Glu340Lys). The glutamic acid residue is highly conserved and there is a small physicochemical difference between glutamic acid and lysine.